The following is an entry in ClinVar:

NM_001145128.3(AK9):c.741A>G (p.Thr247=)

Gene: AK9 (adenylate kinase 9; minus strand). Cytogenetic location: 6q21.
Variant type: single nucleotide variant.
Coding change: c.741A>G on transcript NM_001145128.3 (MANE Select); coding-DNA position 741, A replaced by G.
Protein change: p.Thr247=; no amino-acid change (threonine 247 retained).
Molecular consequence: synonymous variant. On other transcripts: non-coding transcript variant (1).
Genome position (GRCh38, 1-based): chr6:109,656,774, T>C on the plus strand (A>G on the coding strand, the complement: AK9 is on the minus strand). VCF-style: chr6-109656774-T-C. GRCh37 (hg19) VCF-style: chr6-109977977-T-C.
Other names: c.741A>G, p.Thr247= (NM_001329602.2, NM_145025.5); c.957A>G, p.Thr319= (NM_001329603.2).
Identifiers: ClinVar variation 2656832 (VCV002656832.24), dbSNP rs150128474, ClinGen allele CA3955400.

ClinVar aggregate classification (germline): Likely benign (1 of 4 stars; one submission).

Allele frequency attached by ClinVar (database versions not stated): gnomAD 0.00051; TOPMed 0.00051; 1000 Genomes Project 0.00060; ESP Exome Variant Server 0.00062; ExAC 0.00074; gnomAD exomes 0.00076; 1000 Genomes Project 30x 0.00078.
gnomAD v4.1: 1,166 of 1,595,594 alleles (0.073%); highest among the groups gnomAD compares: Non-Finnish European, 0.095%; 2 homozygotes.

Submission:

CeGaT Center for Human Genetics Tuebingen
Classification: Likely benign. Last evaluated: 2022-07-01. Review status: criteria provided, single submitter. Criteria: CeGaT Center For Human Genetics Tuebingen Variant Classification Criteria Version 2. Collection method: clinical testing. Allele origin: germline. Affected: yes. Observed: 1 variant allele.
Comment: AK9: BP4, BP7